The following is an entry in ClinVar:

ClinVar aggregate classification (germline): Conflicting classifications of pathogenicity. Review status: criteria provided, conflicting classifications (1 of 4 stars). 4 submissions from 4 submitters: Uncertain significance (2); Likely benign (1). 1 of the submissions does not count toward it. Last evaluated 2025-01-20.

Conditions:
Retinal dystrophy. Also called: Inherited retinal dystrophy. Identifiers: Orphanet 71862, MedGen C0854723, MeSH D058499, MONDO:0019118, HP:0000556.

Allele frequency attached by ClinVar (database versions not stated): TOPMed 0.00017; gnomAD 0.00018 and 0.00019; ExAC 0.00024; gnomAD exomes 0.00024; ESP Exome Variant Server 0.00046.
gnomAD v4.1: 597 of 1,611,256 alleles (0.037%); highest among the groups gnomAD compares: Non-Finnish European, 0.047%; 1 homozygote.

Submissions (4):

Labcorp Genetics (formerly Invitae), Labcorp
Classification: Uncertain significance. Last evaluated: 2025-01-20. Review status: criteria provided, single submitter. Criteria: Invitae Variant Classification Sherloc (09022015). Collection method: clinical testing. Allele origin: germline.
Comment: This sequence change replaces glycine, which is neutral and non-polar, with arginine, which is basic and polar, at codon 1140 of the ARHGEF18 protein (p.Gly1140Arg). This variant is present in population databases (rs143702386, gnomAD 0.05%). This variant has not been reported in the literature in individuals affected with ARHGEF18-related conditions. ClinVar contains an entry for this variant (Variation ID: 1005963). An algorithm developed to predict the effect of missense changes on protein structure and function (PolyPhen-2) suggests that this variant is likely to be disruptive. In summary, the available evidence is currently insufficient to determine the role of this variant in disease. Therefore, it has been classified as a Variant of Uncertain Significance.

Blueprint Genetics
Classification: Likely benign. Last evaluated: 2024-09-17. Review status: criteria provided, single submitter. Criteria: ACMG Guidelines, 2015. Collection method: clinical testing. Allele origin: germline.

CeGaT Center for Human Genetics Tuebingen
Classification: Uncertain significance. Last evaluated: 2024-08-01. Review status: criteria provided, single submitter. Criteria: CeGaT Center For Human Genetics Tuebingen Variant Classification Criteria Version 2. Collection method: clinical testing. Allele origin: germline. Affected: yes. Observed: 2 variant alleles.
Comment: ARHGEF18: PM2, BP4

Institute of Human Genetics, Univ. Regensburg, Univ. Regensburg
Classification: Uncertain significance for Retinal dystrophy. Last evaluated: 2022-01-01. Review status: no assertion criteria provided. Criteria: ACMG Guidelines, 2015. Collection method: clinical testing. Allele origin: germline. Affected: yes. Not counted in ClinVar's aggregate classification.

NM_001367823.1(ARHGEF18):c.3982G>A (p.Gly1328Arg)

Gene: ARHGEF18 (Rho/Rac guanine nucleotide exchange factor 18; plus strand). Cytogenetic location: 19p13.2.
Variant type: single nucleotide variant.
Coding change: c.3982G>A on transcript NM_001367823.1 (MANE Select); coding-DNA position 3982, G replaced by A.
Protein change: p.Gly1328Arg; replaces glycine 1328 with arginine.
Molecular consequence: missense variant.
Genome position (GRCh38, 1-based): chr19:7,470,194, G>A. VCF-style: chr19-7470194-G-A. GRCh37 (hg19) VCF-style: chr19-7535080-G-A.
Other names: c.2944G>A, p.Gly982Arg (NM_015318.4, NM_001367824.1); c.3256G>A, p.Gly1086Arg (NM_001130955.2); short protein forms G1086R, G1328R, G982R.
Identifiers: ClinVar variation 1005963 (VCV001005963.31), dbSNP rs143702386, ClinGen allele CA9137327.